The following is an entry in ClinVar:

ClinVar aggregate classification (germline): Uncertain significance (1 of 4 stars; one submission).

Conditions:
BAP1-related tumor predisposition syndrome (TPDS1). Also called: Tumor susceptibility linked to germline BAP1 mutations; COMMON Syndrome; TUMOR PREDISPOSITION SYNDROME 1; BAP1 tumor predisposition syndrome. Identifiers: Orphanet 289539, MedGen C3280492, MONDO:0013692, OMIM 614327.

gnomAD v4.1: 1 of 1,614,094 alleles (0.000062%); highest among the groups gnomAD compares: Non-Finnish European, 0.000085%; no homozygotes.

Submission:

Labcorp Genetics (formerly Invitae), Labcorp
Classification: Uncertain significance for BAP1-related tumor predisposition syndrome. Last evaluated: 2024-11-09. Review status: criteria provided, single submitter. Criteria: Invitae Variant Classification Sherloc (09022015). Collection method: clinical testing. Allele origin: germline.
Comment: This sequence change replaces valine, which is neutral and non-polar, with isoleucine, which is neutral and non-polar, at codon 188 of the BAP1 protein (p.Val188Ile). This variant is present in population databases (no rsID available, gnomAD 0.0009%). This variant has not been reported in the literature in individuals affected with BAP1-related conditions. Invitae Evidence Modeling of protein sequence and biophysical properties (such as structural, functional, and spatial information, amino acid conservation, physicochemical variation, residue mobility, and thermodynamic stability) indicates that this missense variant is not expected to disrupt BAP1 protein function with a negative predictive value of 80%. In summary, the available evidence is currently insufficient to determine the role of this variant in disease. Therefore, it has been classified as a Variant of Uncertain Significance.

NM_004656.4(BAP1):c.562G>A (p.Val188Ile)

Gene: BAP1 (BRCA1 associated deubiquitinase 1; minus strand). Cytogenetic location: 3p21.1.
Variant type: single nucleotide variant.
Coding change: c.562G>A on transcript NM_004656.4 (MANE Select); coding-DNA position 562, G replaced by A.
Protein change: p.Val188Ile; replaces valine 188 with isoleucine.
Molecular consequence: missense variant.
Genome position (GRCh38, 1-based): chr3:52,407,192, C>T on the plus strand (G>A on the coding strand, the complement: BAP1 is on the minus strand). VCF-style: chr3-52407192-C-T. GRCh37 (hg19) VCF-style: chr3-52441208-C-T.
Other names: c.562G>A, p.Val188Ile (NM_001410772.1); short protein forms V188I.
Identifiers: ClinVar variation 3668304 (VCV003668304.2).